The following is an entry in ClinVar:

ClinVar aggregate classification (germline): Likely pathogenic (1 of 4 stars; one submission).

Submission:

GeneDx
Classification: Likely pathogenic. Last evaluated: 2016-12-19. Review status: criteria provided, single submitter. Criteria: GeneDx Variant Classification (06012015). Collection method: clinical testing. Allele origin: germline. Affected: yes.
Comment: A novel G572A variant that is likely pathogenic was identified in the KCNH2 gene. This variant has not been published as a pathogenic variant, nor has it been reported as a benign variant to our knowledge. The G572A variant was not observed in approximately 6,500 individuals of European and African American ancestry in the NHLBI Exome Sequencing Project, indicating it is not a common benign variant in these populations. Although the G572A variant is a conservative amino acid substitution, which is not likely to impact secondary protein structure as these residues share similar properties, this substitution occurs at a position that is conserved across species. In addition, in silico analysis predicts this variant is probably damaging to the protein structure/function. Furthermore, different pathogenic or likely pathogenic missense variants affecting the same residue (G572R, G572S, G572V) have been reported in the Human Gene Mutation Database in association with LQTS (Stenson et al., 2014), supporting the functional importance of this residue. However, to our knowledge no studies have been performed to determine the functional effect of the G572A variant.Therefore, this variant is likely pathogenic. In order to definitively determine its clinical significance, additional data is required.

NM_000238.4(KCNH2):c.1715G>C (p.Gly572Ala)

Gene: KCNH2 (potassium voltage-gated channel subfamily H member 2; minus strand). Cytogenetic location: 7q36.1.
Variant type: single nucleotide variant.
Coding change: c.1715G>C on transcript NM_000238.4 (MANE Select); coding-DNA position 1715, G replaced by C.
Protein change: p.Gly572Ala; replaces glycine 572 with alanine.
Molecular consequence: missense variant.
Genome position (GRCh38, 1-based): chr7:150,951,678, C>G on the plus strand (G>C on the coding strand, the complement: KCNH2 is on the minus strand). VCF-style: chr7-150951678-C-G. GRCh37 (hg19) VCF-style: chr7-150648766-C-G.
Other names: c.695G>C, p.Gly232Ala (NM_001204798.2, NM_172057.3); c.1427G>C, p.Gly476Ala (NM_001406753.1, NM_001406756.1); c.1538G>C, p.Gly513Ala (NM_001406755.1); c.1415G>C, p.Gly472Ala (NM_001406757.1); c.1715G>C, p.Gly572Ala (NM_172056.3); short protein forms G232A, G572A, G472A, G513A, G476A.
Identifiers: ClinVar variation 391858 (VCV000391858.4), dbSNP rs199473423, ClinGen allele CA16605077.